The following is an entry in ClinVar:

NM_001358530.2(MOCS1):c.137G>A (p.Arg46Gln)

Gene: MOCS1 (molybdenum cofactor synthesis 1; minus strand). Cytogenetic location: 6p21.2.
Variant type: single nucleotide variant.
Coding change: c.137G>A on transcript NM_001358530.2 (MANE Select); coding-DNA position 137, G replaced by A.
Protein change: p.Arg46Gln; replaces arginine 46 with glutamine.
Molecular consequence: missense variant. On other transcripts: 5 prime UTR variant (1), intron variant (2).
Genome position (GRCh38, 1-based): chr6:39,927,442, C>T on the plus strand (G>A on the coding strand, the complement: MOCS1 is on the minus strand). VCF-style: chr6-39927442-C-T. GRCh37 (hg19) VCF-style: chr6-39895181-C-T.
Other names: c.137G>A, p.Arg46Gln (NM_001075098.4, NM_001358529.2, NM_005943.6); c.-125G>A (NM_001358534.2); c.-11-1597G>A (NM_001358531.2, NM_001358533.2); short protein forms R46Q.
Identifiers: ClinVar variation 1020264 (VCV001020264.6), dbSNP rs752673279, ClinGen allele CA3796430.
Genomic context (GRCh38, chr6:39,927,442, plus strand): 5'-CCGAAGCTGTCTGTGAGGAAGGCGGAGAAGGGGGCCGCATGCTCCCGCAGGAACTGCCTC[C>T]GCCTGGACACCTCCTGCGAGGACAGACCAGGGAGGAAGCATGGGCCCCTGCTACCGGGCT-3'
Protein context (NP_001345459.1, residues 36-56): ARAASEEVSR[Arg46Gln]RQFLREHAAP

ClinVar aggregate classification (germline): Uncertain significance (1 of 4 stars; one submission).

Conditions:
Sulfite oxidase deficiency due to molybdenum cofactor deficiency type A. Also called: Molybdenum Cofactor Deficiency A; Molybdenum cofactor deficiency, complementation group A. Identifiers: Orphanet 308386, Orphanet 833, MedGen C1854988, MONDO:0009643, OMIM 252150.

Allele frequency attached by ClinVar (database versions not stated): gnomAD below 0.00001 and 0.00001.
gnomAD v4.1: 32 of 1,611,444 alleles (0.002%); highest among the groups gnomAD compares: South Asian, 0.017%; no homozygotes.

Submission:

Labcorp Genetics (formerly Invitae), Labcorp
Classification: Uncertain significance for Sulfite oxidase deficiency due to molybdenum cofactor deficiency type A. Last evaluated: 2022-10-13. Review status: criteria provided, single submitter. Criteria: Invitae Variant Classification Sherloc (09022015). Collection method: clinical testing. Allele origin: germline.
Comment: This sequence change replaces arginine, which is basic and polar, with glutamine, which is neutral and polar, at codon 46 of the MOCS1 protein (p.Arg46Gln). This variant is present in population databases (rs752673279, gnomAD 0.03%). This variant has not been reported in the literature in individuals affected with MOCS1-related conditions. ClinVar contains an entry for this variant (Variation ID: 1020264). Algorithms developed to predict the effect of missense changes on protein structure and function output the following: SIFT: "Tolerated"; PolyPhen-2: "Benign"; Align-GVGD: "Class C0". The glutamine amino acid residue is found in multiple mammalian species, which suggests that this missense change does not adversely affect protein function. In summary, the available evidence is currently insufficient to determine the role of this variant in disease. Therefore, it has been classified as a Variant of Uncertain Significance.